The following is an entry in ClinVar:

NM_001040108.2(MLH3):c.3545C>T (p.Thr1182Ile)

Gene: MLH3 (mutL homolog 3; minus strand). Cytogenetic location: 14q24.3.
Variant type: single nucleotide variant.
Coding change: c.3545C>T on transcript NM_001040108.2 (MANE Select); coding-DNA position 3545, C replaced by T.
Protein change: p.Thr1182Ile; replaces threonine 1182 with isoleucine.
Molecular consequence: missense variant.
Genome position (GRCh38, 1-based): chr14:75,039,936, G>A on the plus strand (C>T on the coding strand, the complement: MLH3 is on the minus strand). VCF-style: chr14-75039936-G-A. GRCh37 (hg19) VCF-style: chr14-75506639-G-A.
Other names: c.3545C>T, p.Thr1182Ile (NM_014381.3); short protein forms T1182I.
Identifiers: ClinVar variation 4055492 (VCV004055492.1).

ClinVar aggregate classification (germline): Uncertain significance (1 of 4 stars; one submission).

Submission:

Ambry Genetics
Classification: Uncertain significance. Last evaluated: 2025-04-29. Review status: criteria provided, single submitter. Criteria: Ambry Variant Classification Scheme 2023. Collection method: clinical testing. Allele origin: germline.
Comment: The p.T1182I variant (also known as c.3545C>T), located in coding exon 4 of the MLH3 gene, results from a C to T substitution at nucleotide position 3545. The threonine at codon 1182 is replaced by isoleucine, an amino acid with similar properties. This amino acid position is conserved. In addition, the in silico prediction for this alteration is inconclusive. Based on the available evidence, the clinical significance of this variant remains unclear.